The following is an entry in ClinVar:

ClinVar aggregate classification (germline): Uncertain significance. Review status: criteria provided, multiple submitters, no conflicts (2 of 4 stars). 2 submissions from 2 submitters: Uncertain significance (2). Last evaluated 2021-08-30.

Conditions:
Hereditary cancer-predisposing syndrome. Also called: Tumor predisposition; Neoplastic Syndromes, Hereditary; Hereditary neoplastic syndrome; Hereditary Cancer Syndrome. Identifiers: Orphanet 140162, MedGen C0027672, MeSH D009386, MONDO:0015356.
Ataxia-telangiectasia syndrome (AT). Also called: Ataxia-telangiectasia, complementation group D; AT, COMPLEMENTATION GROUP C; ATAXIA-TELANGIECTASIA, COMPLEMENTATION GROUP A; ATAXIA-TELANGIECTASIA, FRESNO VARIANT; Ataxia-telangiectasia; Ataxia telangiectasia (A-T). Identifiers: Orphanet 100, MedGen C0004135, MONDO:0008840, OMIM 208900.

Submissions (2):

Labcorp Genetics (formerly Invitae), Labcorp
Classification: Uncertain significance for Ataxia-telangiectasia syndrome. Last evaluated: 2021-08-30. Review status: criteria provided, single submitter. Criteria: Invitae Variant Classification Sherloc (09022015). Collection method: clinical testing. Allele origin: germline.
Comment: This sequence change replaces asparagine with isoleucine at codon 1929 of the ATM protein (p.Asn1929Ile). The asparagine residue is weakly conserved and there is a large physicochemical difference between asparagine and isoleucine. This variant is not present in population databases (ExAC no frequency). This missense change has been observed in individual(s) with breast cancer (PMID: 30287823). Algorithms developed to predict the effect of missense changes on protein structure and function are either unavailable or do not agree on the potential impact of this missense change (SIFT: "Deleterious"; PolyPhen-2: "Benign"; Align-GVGD: "Class C15"). In summary, the available evidence is currently insufficient to determine the role of this variant in disease. Therefore, it has been classified as a Variant of Uncertain Significance.

Ambry Genetics
Classification: Uncertain significance for Hereditary cancer-predisposing syndrome. Last evaluated: 2020-03-30. Review status: criteria provided, single submitter. Criteria: Ambry Variant Classification Scheme 2023. Collection method: clinical testing. Allele origin: germline.
Comment: The p.N1929I variant (also known as c.5786A>T), located in coding exon 38 of the ATM gene, results from an A to T substitution at nucleotide position 5786. The asparagine at codon 1929 is replaced by isoleucine, an amino acid with dissimilar properties. This alteration has been reported with a carrier frequency of 0.00014 in 7051 unselected breast cancer patients and was not detected in 11241 female controls of Japanese ancestry (Momozawa Y et al. Nat Commun, 2018 10;9:4083). This amino acid position is poorly conserved in available vertebrate species. In addition, this alteration is predicted to be tolerated by in silico analysis. Since supporting evidence is limited at this time, the clinical significance of this alteration remains unclear.

Literature cited by the submitters: PubMed 30287823 (cited by Labcorp Genetics (formerly Invitae), Labcorp and Ambry Genetics).

NM_000051.4(ATM):c.5786A>T (p.Asn1929Ile)

Genes: ATM (ATM serine/threonine kinase; plus strand), C11orf65 (chromosome 11 open reading frame 65; minus strand). Cytogenetic location: 11q22.3.
Variant type: single nucleotide variant.
Coding change: c.5786A>T on transcript NM_000051.4 (MANE Select); coding-DNA position 5786, A replaced by T.
Protein change: p.Asn1929Ile; replaces asparagine 1929 with isoleucine.
Molecular consequence: missense variant. On other transcripts: intron variant (2).
Genome position (GRCh38, 1-based): chr11:108,310,183, A>T. VCF-style: chr11-108310183-A-T. GRCh37 (hg19) VCF-style: chr11-108180910-A-T.
Other names: c.5786A>T, p.Asn1929Ile (NM_001351834.2); c.641-1112T>A (NM_001330368.2); c.*39-1112T>A (NM_001351110.2); short protein forms N1929I.
Identifiers: ClinVar variation 959668 (VCV000959668.10), dbSNP rs756661278, ClinGen allele CA382548319.